The following is an entry in ClinVar:

ClinVar aggregate classification (germline): Uncertain significance (1 of 4 stars; one submission).

Conditions:
Osteoporosis with pseudoglioma (OPPG). Also called: osteoporosis-pseudoglioma syndrome. Identifiers: Orphanet 2788, MedGen C0432252, MONDO:0009820, OMIM 259770.

Submission:

Baylor Genetics
Classification: Uncertain significance for Osteoporosis with pseudoglioma. Last evaluated: 2018-03-20. Review status: criteria provided, single submitter. Criteria: ACMG Guidelines, 2015. Collection method: clinical testing. Allele origin: unknown. Affected: yes.
Comment: This variant was determined to be of uncertain significance according to ACMG Guidelines, 2015 [PMID:25741868].

NM_002335.4(LRP5):c.4001-15G>A

Gene: LRP5 (LDL receptor related protein 5; plus strand). Cytogenetic location: 11q13.2.
Variant type: single nucleotide variant.
Coding change: c.4001-15G>A on transcript NM_002335.4 (MANE Select); 15 bases into the intron before coding-DNA position 4001, G replaced by A.
Molecular consequence: intron variant.
Genome position (GRCh38, 1-based): chr11:68,436,874, G>A. VCF-style: chr11-68436874-G-A. GRCh37 (hg19) VCF-style: chr11-68204342-G-A.
Other names: c.2258-15G>A (NM_001291902.2).
Identifiers: ClinVar variation 1033502 (VCV001033502.1), dbSNP rs2098675288, ClinGen allele CA1980616972.